The following is an entry in ClinVar:

ClinVar aggregate classification (germline): Uncertain significance (1 of 4 stars; one submission).

Conditions:
Inborn genetic diseases. Identifiers: MedGen C0950123, MeSH D030342.

Submission:

Ambry Genetics
Classification: Uncertain significance for Inborn genetic diseases. Last evaluated: 2024-12-24. Review status: criteria provided, single submitter. Criteria: Ambry Variant Classification Scheme 2023. Collection method: clinical testing. Allele origin: germline.
Comment: The p.G673D variant (also known as c.2018G>A), located in coding exon 13 of the ASXL1 gene, results from a G to A substitution at nucleotide position 2018. The glycine at codon 673 is replaced by aspartic acid, an amino acid with similar properties. This amino acid position is conserved. In addition, this alteration is predicted to be tolerated by in silico analysis. Based on the available evidence, the clinical significance of this variant remains unclear.

NM_015338.6(ASXL1):c.2018G>A (p.Gly673Asp)

Gene: ASXL1 (ASXL transcriptional regulator 1; plus strand). Cytogenetic location: 20q11.21.
Variant type: single nucleotide variant.
Coding change: c.2018G>A on transcript NM_015338.6 (MANE Select); coding-DNA position 2018, G replaced by A.
Protein change: p.Gly673Asp; replaces glycine 673 with aspartic acid.
Molecular consequence: missense variant.
Genome position (GRCh38, 1-based): chr20:32,434,730, G>A. VCF-style: chr20-32434730-G-A. GRCh37 (hg19) VCF-style: chr20-31022533-G-A.
Other names: c.1835G>A, p.Gly612Asp (NM_001363734.1); short protein forms G612D, G673D.
Identifiers: ClinVar variation 3791628 (VCV003791628.1).
Genomic context (GRCh38, chr20:32,434,730, plus strand): 5'-GGGCCACCGATGAGGGAGGTGGCAGAGGCAGCAGCAGTGGTGATGGTGGTGAGGCCTGTG[G>A]CCACCCTGAGCCCAGGGGAGGCCCGAGCACCCCTGGAAAGTGTACGTCAGATCTACAGCG-3'
Protein context (NP_056153.2, residues 663-683): SSSGDGGEAC[Gly673Asp]HPEPRGGPST